The following is an entry in ClinVar:

ClinVar aggregate classification (germline): Likely pathogenic (1 of 4 stars; one submission).

Conditions:
Brittle cornea syndrome 2 (BCS2). Identifiers: Orphanet 90354, MedGen C3280011, MONDO:0013605, OMIM 614170.

Allele frequency attached by ClinVar (database versions not stated): ExAC 0.00001.

Submission:

Women's Health and Genetics/Laboratory Corporation of America, LabCorp
Classification: Likely pathogenic for Brittle cornea syndrome 2. Last evaluated: 2022-03-02. Review status: criteria provided, single submitter. Criteria: LabCorp Variant Classification Summary - May 2015. Collection method: clinical testing. Allele origin: germline.
Comment: Variant summary: PRDM5 c.1650C>A (p.Cys550X) results in a premature termination codon, predicted to cause a truncation of the encoded protein or absence of the protein due to nonsense mediated decay, which are commonly known mechanisms for disease. Truncation downstream of this position have been associated with brittle cornea syndrome in HGMD. The variant was absent in 250766 control chromosomes (gnomAD). To our knowledge, no occurrence of c.1650C>A in individuals affected with Brittle Cornea Syndrome 2 and no experimental evidence demonstrating its impact on protein function have been reported. No clinical diagnostic laboratories have submitted clinical-significance assessments for this variant to ClinVar after 2014. Based on the evidence outlined above, the variant was classified as likely pathogenic.

NM_018699.4(PRDM5):c.1650C>A (p.Cys550Ter)

Gene: PRDM5 (PR/SET domain 5; minus strand). Cytogenetic location: 4q27.
Variant type: single nucleotide variant.
Coding change: c.1650C>A on transcript NM_018699.4 (MANE Select); coding-DNA position 1650, C replaced by A.
Protein change: p.Cys550Ter; replaces cysteine 550 with a stop codon.
Molecular consequence: nonsense. On other transcripts: missense variant (1), intron variant (1).
Genome position (GRCh38, 1-based): chr4:120,710,387, G>T on the plus strand (C>A on the coding strand, the complement: PRDM5 is on the minus strand). VCF-style: chr4-120710387-G-T. GRCh37 (hg19) VCF-style: chr4-121631542-G-T.
Other names: c.1557C>A, p.Cys519Ter (NM_001300823.2); c.1471C>A, p.Gln491Lys (NM_001300824.2); c.1683C>A, p.Cys561Ter (NM_001379104.1); c.1531-15112C>A (NM_001379106.1); short protein forms C519*, C550*, C561*, Q491K.
Identifiers: ClinVar variation 1677171 (VCV001677171.1), dbSNP rs755802156, ClinGen allele CA3060977.
Genomic context (GRCh38, chr4:120,710,387, plus strand): 5'-TTCTCCAGTGTGCGTCCTCTTGTGCTCATCCAGGCCTCGCTTCTGGCTGAAGGCCTTGCT[G>T]CACTCTGAGCACTTGTACGGCTTCTCCTGCAGTCAACAAAAAGAGACCACCAAAATTGCC-3'